The following is an entry in ClinVar:

ClinVar aggregate classification (germline): Uncertain significance (1 of 4 stars; one submission).

Conditions:
Fanconi anemia (FA). Also called: Fanconi's anemia. Identifiers: Orphanet 84, MedGen C0015625, MeSH D005199, MONDO:0019391.

Submission:

Labcorp Genetics (formerly Invitae), Labcorp
Classification: Uncertain significance for Fanconi anemia. Last evaluated: 2019-05-22. Review status: criteria provided, single submitter. Criteria: Invitae Variant Classification Sherloc (09022015). Collection method: clinical testing. Allele origin: germline.
Comment: In summary, the available evidence is currently insufficient to determine the role of this variant in disease. Therefore, it has been classified as a Variant of Uncertain Significance. Algorithms developed to predict the effect of missense changes on protein structure and function are either unavailable or do not agree on the potential impact of this missense change (SIFT: "Deleterious"; PolyPhen-2: "Probably Damaging"; Align-GVGD: "Class C0"). This variant has not been reported in the literature in individuals with FANCM-related conditions. This variant is not present in population databases (ExAC no frequency). This sequence change replaces aspartic acid with histidine at codon 1233 of the FANCM protein (p.Asp1233His). The aspartic acid residue is moderately conserved and there is a moderate physicochemical difference between aspartic acid and histidine.

NM_020937.4(FANCM):c.3697G>C (p.Asp1233His)

Gene: FANCM (FA complementation group M; plus strand). Cytogenetic location: 14q21.2.
Variant type: single nucleotide variant.
Coding change: c.3697G>C on transcript NM_020937.4 (MANE Select); coding-DNA position 3697, G replaced by C.
Protein change: p.Asp1233His; replaces aspartic acid 1233 with histidine.
Molecular consequence: missense variant.
Genome position (GRCh38, 1-based): chr14:45,176,451, G>C. VCF-style: chr14-45176451-G-C. GRCh37 (hg19) VCF-style: chr14-45645654-G-C.
Other names: c.3619G>C, p.Asp1207His (NM_001308133.2); short protein forms D1207H, D1233H.
Identifiers: ClinVar variation 940128 (VCV000940128.9), dbSNP rs1888706777, ClinGen allele CA389602636.